The following is an entry in ClinVar:

ClinVar aggregate classification (germline): Uncertain significance (1 of 4 stars; one submission).

Conditions:
Nephronophthisis 18 (NPHP18). Identifiers: Orphanet 655, MedGen C3890591, MONDO:0014374, OMIM 615862.

Allele frequency attached by ClinVar (database versions not stated): TOPMed below 0.00001; gnomAD 0.00001.
gnomAD v4.1: 6 of 1,614,012 alleles (0.00037%); highest among the groups gnomAD compares: Admixed American, 0.01%; no homozygotes.

Submission:

Labcorp Genetics (formerly Invitae), Labcorp
Classification: Uncertain significance for Nephronophthisis 18. Last evaluated: 2022-10-17. Review status: criteria provided, single submitter. Criteria: Invitae Variant Classification Sherloc (09022015). Collection method: clinical testing. Allele origin: germline.
Comment: This sequence change replaces tyrosine, which is neutral and polar, with histidine, which is basic and polar, at codon 219 of the CEP83 protein (p.Tyr219His). This variant is present in population databases (no rsID available, gnomAD 0.01%). This variant has not been reported in the literature in individuals affected with CEP83-related conditions. Advanced modeling of protein sequence and biophysical properties (such as structural, functional, and spatial information, amino acid conservation, physicochemical variation, residue mobility, and thermodynamic stability) performed at Invitae indicates that this missense variant is not expected to disrupt CEP83 protein function. In summary, the available evidence is currently insufficient to determine the role of this variant in disease. Therefore, it has been classified as a Variant of Uncertain Significance.

NM_016122.3(CEP83):c.655T>C (p.Tyr219His)

Gene: CEP83 (centrosomal protein 83; minus strand). Cytogenetic location: 12q22.
Variant type: single nucleotide variant.
Coding change: c.655T>C on transcript NM_016122.3 (MANE Select); coding-DNA position 655, T replaced by C.
Protein change: p.Tyr219His; replaces tyrosine 219 with histidine.
Molecular consequence: missense variant. On other transcripts: non-coding transcript variant (3).
Genome position (GRCh38, 1-based): chr12:94,378,937, A>G on the plus strand (T>C on the coding strand, the complement: CEP83 is on the minus strand). VCF-style: chr12-94378937-A-G. GRCh37 (hg19) VCF-style: chr12-94772713-A-G.
Other names: c.655T>C, p.Tyr219His (NM_001042399.2, NM_001346457.2, NM_001346460.2 and 3 more transcripts); c.343T>C, p.Tyr115His (NM_001346458.2, NM_001346459.2, NM_001346462.2 and 2 more transcripts); c.430T>C, p.Tyr144His (NM_001368041.1); c.118T>C, p.Tyr40His (NM_001368042.1); short protein forms Y144H, Y115H, Y219H, Y40H.
Identifiers: ClinVar variation 2164348 (VCV002164348.1), dbSNP rs1263294995, ClinGen allele CA386146911.